The following is an entry in ClinVar:

NM_000038.6(APC):c.8523A>T (p.Thr2841=)

Gene: APC (APC regulator of Wnt signaling pathway; plus strand). Cytogenetic location: 5q22.2.
Variant type: single nucleotide variant.
Coding change: c.8523A>T on transcript NM_000038.6 (MANE Select); coding-DNA position 8523, A replaced by T.
Protein change: p.Thr2841=; no amino-acid change (threonine 2841 retained).
Molecular consequence: synonymous variant.
Genome position (GRCh38, 1-based): chr5:112,844,117, A>T. VCF-style: chr5-112844117-A-T. GRCh37 (hg19) VCF-style: chr5-112179814-A-T.
Other names: c.8523A>T, p.Thr2841= (NM_001127510.3, NM_001354895.2); c.8469A>T, p.Thr2823= (NM_001127511.3); c.8577A>T, p.Thr2859= (NM_001354896.2); c.8553A>T, p.Thr2851= (NM_001354897.2); c.8448A>T, p.Thr2816= (NM_001354898.2); c.8439A>T, p.Thr2813= (NM_001354899.2); c.8400A>T, p.Thr2800= (NM_001354900.2); c.8346A>T, p.Thr2782= (NM_001354901.2); and 5 more.
Identifiers: ClinVar variation 1172034 (VCV001172034.13), dbSNP rs753003333, ClinGen allele CA050951.

ClinVar aggregate classification (germline): Benign/Likely benign. Review status: criteria provided, multiple submitters, no conflicts (2 of 4 stars). 4 submissions from 4 submitters: Benign (1); Likely benign (3). Last evaluated 2024-04-16.

Conditions:
Hereditary cancer-predisposing syndrome. Also called: Tumor predisposition; Hereditary neoplastic syndrome; Hereditary Cancer Syndrome; Neoplastic Syndromes, Hereditary. Identifiers: Orphanet 140162, MedGen C0027672, MeSH D009386, MONDO:0015356.
Familial adenomatous polyposis 1 (FAP1). Also called: FAMILIAL ADENOMATOUS POLYPOSIS 1, ATTENUATED; POLYPOSIS, ADENOMATOUS INTESTINAL. Identifiers: MedGen C2713442, MONDO:0021056, OMIM 175100. Disease mechanism: loss of function.

Allele frequency attached by ClinVar (database versions not stated): gnomAD exomes below 0.00001; ExAC 0.00001.
gnomAD v4.1: 1 of 1,611,568 alleles (0.000062%); highest among the groups gnomAD compares: Non-Finnish European, 0.000085%; no homozygotes.

Submissions (4):

Myriad Genetics, Inc.
Classification: Benign for Familial adenomatous polyposis 1. Last evaluated: 2024-04-16. Review status: criteria provided, single submitter. Criteria: Myriad Autosomal Dominant, Autosomal Recessive and X-Linked Classification Criteria (2023). Collection method: clinical testing. Allele origin: unknown.
Comment: This variant is considered benign. This variant is a silent/synonymous amino acid change and it is not expected to impact splicing.

Labcorp Genetics (formerly Invitae), Labcorp
Classification: Likely benign for Familial adenomatous polyposis 1. Last evaluated: 2021-08-06. Review status: criteria provided, single submitter. Criteria: Invitae Variant Classification Sherloc (09022015). Collection method: clinical testing. Allele origin: germline.

Color Diagnostics, LLC DBA Color Health
Classification: Likely benign for Hereditary cancer-predisposing syndrome. Last evaluated: 2020-07-20. Review status: criteria provided, single submitter. Criteria: ACMG Guidelines, 2015. Collection method: clinical testing. Allele origin: germline.

Ambry Genetics
Classification: Likely benign for Hereditary cancer-predisposing syndrome. Last evaluated: 2015-12-01. Review status: criteria provided, single submitter. Criteria: Ambry Variant Classification Scheme 2023. Collection method: clinical testing. Allele origin: germline.